The following is an entry in ClinVar:

NM_017950.4(CCDC40):c.565G>A (p.Glu189Lys)

Gene: CCDC40 (coiled-coil domain 40 molecular ruler complex subunit; plus strand). Cytogenetic location: 17q25.3.
Variant type: single nucleotide variant.
Coding change: c.565G>A on transcript NM_017950.4 (MANE Select); coding-DNA position 565, G replaced by A.
Protein change: p.Glu189Lys; replaces glutamic acid 189 with lysine.
Molecular consequence: missense variant.
Genome position (GRCh38, 1-based): chr17:80,047,291, G>A. VCF-style: chr17-80047291-G-A. GRCh37 (hg19) VCF-style: chr17-78021090-G-A.
Other names: c.565G>A, p.Glu189Lys (NM_001243342.2, NM_001330508.2); short protein forms E189K.
Identifiers: ClinVar variation 1422555 (VCV001422555.5), dbSNP rs372456780, ClinGen allele CA8813492.

ClinVar aggregate classification (germline): Uncertain significance (1 of 4 stars; one submission).

Conditions:
Primary ciliary dyskinesia. Also called: Ciliary dyskinesia. Identifiers: Orphanet 244, MedGen C0008780, MONDO:0016575, HP:0012265.

Allele frequency attached by ClinVar (database versions not stated): gnomAD exomes below 0.00001; ExAC 0.00001.
gnomAD v4.1: 2 of 1,613,996 alleles (0.00012%); no homozygotes.

Submission:

Labcorp Genetics (formerly Invitae), Labcorp
Classification: Uncertain significance for Primary ciliary dyskinesia. Last evaluated: 2021-12-08. Review status: criteria provided, single submitter. Criteria: Invitae Variant Classification Sherloc (09022015). Collection method: clinical testing. Allele origin: germline.
Comment: This sequence change replaces glutamic acid, which is acidic and polar, with lysine, which is basic and polar, at codon 189 of the CCDC40 protein (p.Glu189Lys). This variant is present in population databases (rs372456780, gnomAD 0.006%). This variant has not been reported in the literature in individuals affected with CCDC40-related conditions. Algorithms developed to predict the effect of missense changes on protein structure and function output the following: SIFT: "Tolerated"; PolyPhen-2: "Benign"; Align-GVGD: "Class C0". The lysine amino acid residue is found in multiple mammalian species, which suggests that this missense change does not adversely affect protein function. In summary, the available evidence is currently insufficient to determine the role of this variant in disease. Therefore, it has been classified as a Variant of Uncertain Significance.